The following is an entry in ClinVar:

GRCh38/hg38 2q23.1(chr2:148181764-148312173)x1

Genes: MBD5 (methyl-CpG binding domain protein 5; plus strand), LOC126806367 (BRD4-independent group 4 enhancer GRCh37_chr2:149016781-149017980; plus strand). Cytogenetic location: 2q23.1.
Variant type: copy number loss.
Change: copy number 1 (one copy instead of two) of chr2:148,181,764-148,312,173 (130.4 kb, GRCh38 coordinates, 1-based), cytogenetic band 2q23.1.
Identifiers: ClinVar variation 4852064 (VCV004852064.1).

ClinVar aggregate classification (germline): Uncertain significance (1 of 4 stars; one submission).

Submission:

Clinical Genomics Laboratory, Laboratory for Precision Diagnostics, University of Washington
Classification: Uncertain significance. Last evaluated: 2022-10-28. Review status: criteria provided, single submitter. Criteria: ACMG/ClinGen CNV Guidelines, 2019. Collection method: clinical testing. Allele origin: unknown. Affected: yes. Observed: 1 variant allele.
Comment: The deletion is approximately 130 kb in size and encompasses exon 3 of MBD5 (NM_001378120.1; OMIM 611472). Heterozygous loss of function variants in MBD5 cause MBD5 haploinsufficiency syndrome, which is characterized by developmental delays, intellectual disability, severe speech delay and impairment, seizures, and sleep disturbances. However, exon 3 is one of the three non-coding exons in the 5' UTR of MBD5, so this deletion may not result in loss of function. Heterozygous deletions affecting only the interstitial non-coding exons of the MBD5 5' UTR (exons 2-4) have been found in people with a spectrum of psychopathology and neurodevelopmental abnormalities similar to that seen in people with deletions of MBD5 coding exons (PMID: 21981781, PMID: 23587880). PMID: 28944244 described three families showing inheritance of deletions of MBD5. DECIPHER patients 333370 and 430439 both have isolated intragenic deletions of MBD5 encompassing only exon 3. Their phenotypes are abnormal facial shape and autism, respectively. Each patient had inherited the deletion from their unaffected father. Intragenic deletions of MBD5 exons 2, 3, and/or 4 are found at low frequency in the Database of Genomic Variants and gnomAD, two databases of copy number changes in the general control population (nsv1004431, nsv1009608, dgv4092n100, nsv583289, nsv1012123, nsv523090, dgv1320n166, DEL_2_23197, DEL_2_23192).

Literature cited by the submitters: PubMed 23587880; PubMed 28944244; PubMed 21981781; PubMed 28649445.